The following is an entry in ClinVar:

NM_207034.3(EDN3):c.*1012C>T

Gene: EDN3 (endothelin 3; plus strand). Cytogenetic location: 20q13.32.
Variant type: single nucleotide variant.
Coding change: c.*1012C>T on transcript NM_207034.3 (MANE Select); 1012 bases downstream of the stop codon, C replaced by T.
Molecular consequence: 3 prime UTR variant.
Genome position (GRCh38, 1-based): chr20:59,325,471, C>T. VCF-style: chr20-59325471-C-T. GRCh37 (hg19) VCF-style: chr20-57900526-C-T.
Other names: c.*1136C>T (NM_001302455.2); c.*1104C>T (NM_001302456.2, NM_207032.3); c.*1012C>T (NM_207033.3).
Identifiers: ClinVar variation 339156 (VCV000339156.5), dbSNP rs11570358, ClinGen allele CA10650115.

ClinVar aggregate classification (germline): Benign (1 of 4 stars; one submission).

Conditions:
Hirschsprung disease, susceptibility to, 4. Identifiers: Orphanet 388, MedGen C3150975, MONDO:0013384, OMIM 613712.

Allele frequency attached by ClinVar (database versions not stated): gnomAD 0.01348 and 0.01437; TOPMed 0.01585; 1000 Genomes Project 0.01637; 1000 Genomes Project 30x 0.01640.

Submission:

Illumina Laboratory Services, Illumina
Classification: Benign for Hirschsprung disease, susceptibility to, 4. Last evaluated: 2018-01-12. Review status: criteria provided, single submitter. Criteria: ICSL Variant Classification Criteria 13 December 2019. Collection method: clinical testing. Allele origin: germline.
Comment: This variant was observed in the ICSL laboratory as part of a predisposition screen in an ostensibly healthy population. It had not been previously curated by ICSL or reported in the Human Gene Mutation Database (HGMD: prior to June 1st, 2018), and was therefore a candidate for classification through an automated scoring system. Utilizing variant allele frequency, disease prevalence and penetrance estimates, and inheritance mode, an automated score was calculated to assess if this variant is too frequent to cause the disease. Based on the score and internal cut-off values, a variant classified as benign is not then subjected to further curation. The score for this variant resulted in a classification of benign for this disease.